The following is an entry in ClinVar:

NM_001371928.1(AHDC1):c.3829G>A (p.Gly1277Ser)

Gene: AHDC1 (AT-hook DNA binding motif containing 1; minus strand). Cytogenetic location: 1p36.11.
Variant type: single nucleotide variant.
Coding change: c.3829G>A on transcript NM_001371928.1 (MANE Select); coding-DNA position 3829, G replaced by A.
Protein change: p.Gly1277Ser; replaces glycine 1277 with serine.
Molecular consequence: missense variant.
Genome position (GRCh38, 1-based): chr1:27,548,287, C>T on the plus strand (G>A on the coding strand, the complement: AHDC1 is on the minus strand). VCF-style: chr1-27548287-C-T. GRCh37 (hg19) VCF-style: chr1-27874798-C-T.
Other names: c.3829G>A, p.Gly1277Ser (NM_001029882.3); c.3829G>A (NM_001029882.2); short protein forms G1277S.
Identifiers: ClinVar variation 1298414 (VCV001298414.42), dbSNP rs752509887, ClinGen allele CA715480.

ClinVar aggregate classification (germline): Conflicting classifications of pathogenicity. Review status: criteria provided, conflicting classifications (1 of 4 stars). 3 submissions from 3 submitters: Uncertain significance (1); Likely benign (2). Last evaluated 2026-01-12.

Conditions:
Inborn genetic diseases. Identifiers: MedGen C0950123, MeSH D030342.

Allele frequency attached by ClinVar (database versions not stated): gnomAD 0.00001; TOPMed 0.00002; gnomAD exomes 0.00007 and 0.00009; ExAC 0.00010.
gnomAD v4.1: 110 of 1,607,040 alleles (0.0068%); highest among the groups gnomAD compares: South Asian, 0.03%; no homozygotes.

Submissions (3):

Labcorp Genetics (formerly Invitae), Labcorp
Classification: Uncertain significance. Last evaluated: 2026-01-12. Review status: criteria provided, single submitter. Criteria: Invitae Variant Classification Sherloc (09022015). Collection method: clinical testing. Allele origin: germline.
Comment: This sequence change replaces glycine, which is neutral and non-polar, with serine, which is neutral and polar, at codon 1277 of the AHDC1 protein (p.Gly1277Ser). This variant is present in population databases (rs752509887, gnomAD 0.03%). This variant has not been reported in the literature in individuals affected with AHDC1-related conditions. ClinVar contains an entry for this variant (Variation ID: 1298414). An algorithm developed to predict the effect of missense changes on protein structure and function outputs the following: PolyPhen-2: "Probably Damaging". The serine amino acid residue is found in multiple mammalian species, which suggests that this missense change does not adversely affect protein function. In summary, the available evidence is currently insufficient to determine the role of this variant in disease. Therefore, it has been classified as a Variant of Uncertain Significance.

CeGaT Center for Human Genetics Tuebingen
Classification: Likely benign. Last evaluated: 2026-01-01. Review status: criteria provided, single submitter. Criteria: CeGaT Center For Human Genetics Tuebingen Variant Classification Criteria Version 2. Collection method: clinical testing. Allele origin: germline. Affected: yes. Observed: 4 variant alleles.
Comment: AHDC1: BP4

Ambry Genetics
Classification: Likely benign for Inborn genetic diseases. Last evaluated: 2024-02-21. Review status: criteria provided, single submitter. Criteria: Ambry Variant Classification Scheme 2023. Collection method: clinical testing. Allele origin: germline.